The following is an entry in ClinVar:

NM_003850.3(SUCLA2):c.990C>A (p.Ala330=)

Gene: SUCLA2 (succinate-CoA ligase ADP-forming subunit beta; minus strand). Cytogenetic location: 13q14.2.
Variant type: single nucleotide variant.
Coding change: c.990C>A on transcript NM_003850.3 (MANE Select); coding-DNA position 990, C replaced by A.
Protein change: p.Ala330=; no amino-acid change (alanine 330 retained).
Molecular consequence: synonymous variant.
Genome position (GRCh38, 1-based): chr13:47,954,257, G>T on the plus strand (C>A on the coding strand, the complement: SUCLA2 is on the minus strand). VCF-style: chr13-47954257-G-T. GRCh37 (hg19) VCF-style: chr13-48528392-G-T.
Identifiers: ClinVar variation 3054572 (VCV003054572.2), dbSNP rs1464384862, ClinGen allele CA483739687.
Genomic context (GRCh38, chr13:47,954,257, plus strand): 5'-ACCACCAACATCAAGGAAGTTGGCTGGAGTCCCTCCATGAAGTTTTATTATATCCATTGT[G>T]GCCATAGCCAAACCAGCACCATTTACTATATAGGGGAAAATGATTTGTATAAGCAACAAA-3'
Protein context (NP_003841.1, residues 320-340): CLVNGAGLAM[Ala330=]TMDIIKLHGG

ClinVar aggregate classification (germline): Likely benign (0 of 4 stars; one submission).

Conditions:
SUCLA2-related disorder. Also called: SUCLA2-related condition.

Submission:

PreventionGenetics, part of Exact Sciences
Classification: Likely benign for SUCLA2-related condition. Last evaluated: 2020-04-20. Review status: no assertion criteria provided. Collection method: clinical testing. Allele origin: germline.
Comment: This variant is classified as likely benign based on ACMG/AMP sequence variant interpretation guidelines (Richards et al. 2015 PMID: 25741868, with internal and published modifications).